The following is an entry in ClinVar:

ClinVar aggregate classification (germline): Likely pathogenic (1 of 4 stars; one submission).

Submission:

GeneDx
Classification: Likely pathogenic. Last evaluated: 2025-03-26. Review status: criteria provided, single submitter. Criteria: GeneDx Variant Classification Process June 2021. Collection method: clinical testing. Allele origin: germline. Affected: yes.
Comment: Frameshift variant in the C-terminus predicted to result in protein truncation, as the last 43 amino acids are lost and replaced with 18 incorrect amino acids (HGMD); Not observed in large population cohorts (gnomAD); This variant is associated with the following publications: (PMID: 39666069)

NM_020247.5(COQ8A):c.1815_1816delinsC (p.Glu605fs)

Gene: COQ8A (coenzyme Q8A; plus strand). Cytogenetic location: 1q42.13.
Variant type: Indel.
Coding change: c.1815_1816delinsC on transcript NM_020247.5 (MANE Select); coding-DNA positions 1815 to 1816, AA replaced by C.
Protein change: p.Glu605fs; shifts the reading frame from glutamic acid 605.
Molecular consequence: frameshift variant.
Genome position (GRCh38, 1-based): chr1:226,986,608-226,986,609, AA replaced by C. VCF-style: chr1-226986608-AA-C. GRCh37 (hg19) VCF-style: chr1-227174309-AA-C.
Other names: c.1815_1816delAAinsC (NM_020247.4); c.1815_1816delinsC (NM_020247.4); short protein forms E605fs.
Identifiers: ClinVar variation 426203 (VCV000426203.3), dbSNP rs1085307497, ClinGen allele CA645293931.